The following is an entry in ClinVar:

NM_004448.4(ERBB2):c.1754_1755del (p.Val585fs)

Gene: ERBB2 (erb-b2 receptor tyrosine kinase 2; plus strand). Cytogenetic location: 17q12.
Variant type: Microsatellite.
Coding change: c.1754_1755del on transcript NM_004448.4 (MANE Select); coding-DNA positions 1754 to 1755, 2 bases deleted (TG; older notation c.1754_1755delTG).
Protein change: p.Val585fs; shifts the reading frame from valine 585.
Molecular consequence: frameshift variant. On other transcripts: non-coding transcript variant (1), intron variant (1).
Genome position (GRCh38, 1-based): chr17:39,717,336-39,717,337, TG deleted; deleting any 2 consecutive bases within chr17:39,717,331-39,717,337 gives the same sequence; the c. name uses the placement nearest the transcript's 3' end. VCF-style (leftmost placement, unchanged base first): chr17-39717330-AGT-A. GRCh37 (hg19) VCF-style: chr17-37873583-AGT-A.
Other names: c.1664_1665del, p.Val555fs (NM_001005862.3, NM_001289938.2, NM_001382782.1 and 1 more transcripts); c.1709_1710del, p.Val570fs (NM_001289936.2); c.1754_1755del, p.Val585fs (NM_001289937.2, NM_001382792.1, NM_001382793.1 and 9 more transcripts); c.1871_1872del, p.Val624fs (NM_001382784.1, NM_001382786.1); c.1856_1857del, p.Val619fs (NM_001382785.1); c.1829_1830del, p.Val610fs (NM_001382787.1); c.1784_1785del, p.Val595fs (NM_001382788.1); c.1775_1776del, p.Val592fs (NM_001382789.1); and 6 more; short protein forms V499fs, V584fs, V555fs, V570fs, V592fs, V624fs, V585fs, V309fs.
Identifiers: ClinVar variation 1956846 (VCV001956846.5), dbSNP rs2544310296, ClinGen allele CA2580612609.
Genomic context (GRCh38, chr17:39,717,330, plus strand): 5'-CCTGGGGGTGTCAGTGCCAGCCCCCCACAAATCTTTTCTGCCCCCCCCAGGAGGCTGACC[AGT>A]GTGTGGCCTGTGCCCACTATAAGGACCCTCCCTTCTGCGTGGCCCGCTGCCCCAGCGGTG-3'

ClinVar aggregate classification (germline): Uncertain significance (1 of 4 stars; one submission).

Submission:

Labcorp Genetics (formerly Invitae), Labcorp
Classification: Uncertain significance. Last evaluated: 2022-10-13. Review status: criteria provided, single submitter. Criteria: Invitae Variant Classification Sherloc (09022015). Collection method: clinical testing. Allele origin: germline.
Comment: In summary, the available evidence is currently insufficient to determine the role of this variant in disease. Therefore, it has been classified as a Variant of Uncertain Significance. This variant has not been reported in the literature in individuals affected with ERBB2-related conditions. This variant is not present in population databases (gnomAD no frequency). This sequence change creates a premature translational stop signal (p.Val585Glyfs*6) in the ERBB2 gene. It is expected to result in an absent or disrupted protein product. However, the current clinical and genetic evidence is not sufficient to establish whether loss-of-function variants in ERBB2 cause disease.